The following is an entry in ClinVar:

NM_002645.4(PIK3C2A):c.2108+1G>A

Gene: PIK3C2A (phosphatidylinositol-4-phosphate 3-kinase catalytic subunit type 2 alpha; minus strand). Cytogenetic location: 11p15.1.
Variant type: single nucleotide variant.
Coding change: c.2108+1G>A on transcript NM_002645.4 (MANE Select); the canonical splice donor site of the intron after coding-DNA position 2108, G replaced by A.
Molecular consequence: splice donor variant.
Genome position (GRCh38, 1-based): chr11:17,134,818, C>T on the plus strand (G>A on the coding strand, the complement: PIK3C2A is on the minus strand). VCF-style: chr11-17134818-C-T. GRCh37 (hg19) VCF-style: chr11-17156365-C-T.
Other names: c.968+1G>A (NM_001321380.2); c.2108+1G>A (NM_001386870.1, NM_001321378.2).
Identifiers: ClinVar variation 4806923 (VCV004806923.1).

ClinVar aggregate classification (germline): Likely pathogenic (1 of 4 stars; one submission).

Submission:

Labcorp Genetics (formerly Invitae), Labcorp
Classification: Likely pathogenic. Last evaluated: 2025-04-02. Review status: criteria provided, single submitter. Criteria: Invitae Variant Classification Sherloc (09022015). Collection method: clinical testing. Allele origin: germline.
Comment: This sequence change affects a donor splice site in intron 11 of the PIK3C2A gene. It is expected to disrupt RNA splicing. Variants that disrupt the donor or acceptor splice site typically lead to a loss of protein function (PMID: 16199547), and loss-of-function variants in PIK3C2A are known to be pathogenic (PMID: 31034465). This variant is not present in population databases (gnomAD no frequency). This variant has not been reported in the literature in individuals affected with PIK3C2A-related conditions. Algorithms developed to predict the effect of sequence changes on RNA splicing suggest that this variant may disrupt the consensus splice site. In summary, the currently available evidence indicates that the variant is pathogenic, but additional data are needed to prove that conclusively. Therefore, this variant has been classified as Likely Pathogenic.

Literature cited by the submitters: PubMed 16199547; PubMed 31034465.